The following is an entry in ClinVar:

ClinVar aggregate classification (germline): Uncertain significance (1 of 4 stars; one submission).

Conditions:
Generalized epilepsy with febrile seizures plus, type 7 (GEFSP7). Also called: GEFS+, TYPE 7. Identifiers: Orphanet 36387, MedGen C2751778, MONDO:0013470, OMIM 613863.
Neuropathy, hereditary sensory and autonomic, type 2A (HSAN2A). Also called: WNK1-Related HSAN2 (HSAN2A); MORVAN DISEASE; NEUROPATHY, CONGENITAL SENSORY; NEUROPATHY, HEREDITARY SENSORY RADICULAR, AUTOSOMAL RECESSIVE; NEUROPATHY, HEREDITARY SENSORY, TYPE IIA; NEUROPATHY, PROGRESSIVE SENSORY, OF CHILDREN. Identifiers: Orphanet 970, MedGen C2752089, MONDO:0024309, OMIM 201300.

Allele frequency attached by ClinVar (database versions not stated): gnomAD exomes below 0.00001 and 0.00001; TOPMed 0.00002.

Submission:

Labcorp Genetics (formerly Invitae), Labcorp
Classification: Uncertain significance for Neuropathy, hereditary sensory and autonomic, type 2A; Generalized epilepsy with febrile seizures plus, type 7. Last evaluated: 2023-03-07. Review status: criteria provided, single submitter. Criteria: Invitae Variant Classification Sherloc (09022015). Collection method: clinical testing. Allele origin: germline.
Comment: Advanced modeling of protein sequence and biophysical properties (such as structural, functional, and spatial information, amino acid conservation, physicochemical variation, residue mobility, and thermodynamic stability) has been performed at Invitae for this missense variant, however the output from this modeling did not meet the statistical confidence thresholds required to predict the impact of this variant on SCN9A protein function. In summary, the available evidence is currently insufficient to determine the role of this variant in disease. Therefore, it has been classified as a Variant of Uncertain Significance. ClinVar contains an entry for this variant (Variation ID: 1351042). This variant has not been reported in the literature in individuals affected with SCN9A-related conditions. The frequency data for this variant in the population databases is considered unreliable, as metrics indicate poor data quality at this position in the gnomAD database. This sequence change replaces leucine, which is neutral and non-polar, with phenylalanine, which is neutral and non-polar, at codon 1193 of the SCN9A protein (p.Leu1193Phe).

NM_001365536.1(SCN9A):c.3610C>T (p.Leu1204Phe)

Genes: SCN9A (sodium voltage-gated channel alpha subunit 9; minus strand), SCN1A-AS1 (SCN1A and SCN9A antisense RNA 1; plus strand). Cytogenetic location: 2q24.3.
Variant type: single nucleotide variant.
Coding change: c.3610C>T on transcript NM_001365536.1 (MANE Select); coding-DNA position 3610, C replaced by T.
Protein change: p.Leu1204Phe; replaces leucine 1204 with phenylalanine.
Molecular consequence: missense variant.
Genome position (GRCh38, 1-based): chr2:166,242,519, G>A on the plus strand (C>T on the coding strand, the complement: SCN9A is on the minus strand). VCF-style: chr2-166242519-G-A. GRCh37 (hg19) VCF-style: chr2-167099029-G-A.
Other names: c.3577C>T, p.Leu1193Phe (NM_002977.4); short protein forms L1193F, L1204F.
Identifiers: ClinVar variation 1351042 (VCV001351042.8), dbSNP rs200184565, ClinGen allele CA59814596.